The following is an entry in ClinVar:

ClinVar aggregate classification (germline): Benign/Likely benign. Review status: criteria provided, multiple submitters, no conflicts (2 of 4 stars). 7 submissions from 7 submitters: Benign (3); Likely benign (4). Last evaluated 2024-11-27.

Conditions:
Inborn genetic diseases. Identifiers: MedGen C0950123, MeSH D030342.
Nicolaides-Baraitser syndrome (NCBRS). Also called: SMARCA2-Related Nicolaides-Baraitser Syndrome; Intellectual disability-sparse hair-brachydactyly syndrome. Identifiers: Orphanet 3051, MedGen C1303073, MONDO:0011053, OMIM 601358.

Allele frequency attached by ClinVar (database versions not stated): gnomAD 0.00498 and 0.00541; 1000 Genomes Project 0.01597.

Submissions (7):

Blueprint Genetics
Classification: Likely benign. Last evaluated: 2024-11-27. Review status: criteria provided, single submitter. Criteria: ACMG Guidelines, 2015. Collection method: clinical testing. Allele origin: germline.

Mayo Clinic Laboratories, Mayo Clinic
Classification: Benign. Last evaluated: 2024-11-01. Review status: criteria provided, single submitter. Criteria: ACMG Guidelines, 2015. Collection method: clinical testing. Allele origin: germline. Observed: 1 variant allele.

Labcorp Genetics (formerly Invitae), Labcorp
Classification: Likely benign. Last evaluated: 2022-06-13. Review status: criteria provided, single submitter. Criteria: Invitae Variant Classification Sherloc (09022015). Collection method: clinical testing. Allele origin: germline.

GeneDx
Classification: Benign. Last evaluated: 2019-01-04. Review status: criteria provided, single submitter. Criteria: GeneDx Variant Classification Process June 2021. Collection method: clinical testing. Allele origin: germline. Affected: yes.

Illumina Laboratory Services, Illumina
Classification: Benign for Nicolaides-Baraitser syndrome. Last evaluated: 2018-01-13. Review status: criteria provided, single submitter. Criteria: ICSL Variant Classification Criteria 13 December 2019. Collection method: clinical testing. Allele origin: germline.
Comment: This variant was observed in the ICSL laboratory as part of a predisposition screen in an ostensibly healthy population. It had not been previously curated by ICSL or reported in the Human Gene Mutation Database (HGMD: prior to June 1st, 2018), and was therefore a candidate for classification through an automated scoring system. Utilizing variant allele frequency, disease prevalence and penetrance estimates, and inheritance mode, an automated score was calculated to assess if this variant is too frequent to cause the disease. Based on the score and internal cut-off values, a variant classified as benign is not then subjected to further curation. The score for this variant resulted in a classification of benign for this disease.

Ambry Genetics
Classification: Likely benign for Inborn genetic diseases. Last evaluated: 2016-10-27. Review status: criteria provided, single submitter. Criteria: Ambry Variant Classification Scheme 2023. Collection method: clinical testing. Allele origin: germline.

Breakthrough Genomics
Classification: Likely benign. Review status: criteria provided, single submitter. Criteria: ACMG Guidelines, 2015. Collection method: not provided. Allele origin: germline. Inheritance: Autosomal dominant inheritance. Affected: yes.

NM_003070.5(SMARCA2):c.666A>G (p.Gln222=)

Gene: SMARCA2 (SWI/SNF related BAF chromatin remodeling complex subunit ATPase 2; plus strand). Cytogenetic location: 9p24.3.
Variant type: single nucleotide variant.
Coding change: c.666A>G on transcript NM_003070.5 (MANE Select); coding-DNA position 666, A replaced by G.
Protein change: p.Gln222=; no amino-acid change (glutamine 222 retained).
Molecular consequence: synonymous variant.
Genome position (GRCh38, 1-based): chr9:2,039,776, A>G. VCF-style: chr9-2039776-A-G. GRCh37 (hg19) VCF-style: chr9-2039776-A-G.
Other names: p.Gln222=; c.666A>G, p.Gln222= (NM_001289396.2, NM_001289397.2, NM_139045.4).
Identifiers: ClinVar variation 366197 (VCV000366197.22), dbSNP rs13296987, ClinGen allele CA10629745.